The following is an entry in ClinVar:

NM_130849.4(SLC39A4):c.326dup (p.Thr110fs)

Gene: SLC39A4 (solute carrier family 39 member 4; minus strand). Cytogenetic location: 8q24.3.
Variant type: Duplication.
Coding change: c.326dup on transcript NM_130849.4 (MANE Select); coding-DNA position 326, one base duplicated (G; older notation c.326dupG).
Protein change: p.Thr110fs; shifts the reading frame from threonine 110.
Molecular consequence: frameshift variant. On other transcripts: intron variant (1).
Genome position (GRCh38, 1-based): chr8:144,415,958, C duplicated on the plus strand (G on the coding strand, the reverse complement: SLC39A4 is on the minus strand); the first of 3 consecutive C bases (chr8:144,415,958-144,415,960); duplicating any one gives the same sequence. VCF-style (leftmost placement, unchanged base first): chr8-144415957-G-GC. GRCh37 (hg19) VCF-style: chr8-145641341-G-GC.
Other names: c.251dup, p.Thr85fs (NM_017767.3); c.193-539dup (NM_001374839.1); short protein forms T110fs, T85fs.
Identifiers: ClinVar variation 4061756 (VCV004061756.2).
Genomic context (GRCh38, chr8:144,415,957, plus strand): 5'-CAGGGCCAGGAGGTGGTCTGCATGAGAGGCCCAGAGGCCAGCCCGAGCGTCCTCACAGGT[G>GC]CCCTCGGGGTTGCTGAGGTACAGGACGGCGGCGGCACTGAGGCGGGCGACGTACCTGGCC-3'

ClinVar aggregate classification (germline): Likely pathogenic (1 of 4 stars; one submission).

Conditions:
Hereditary acrodermatitis enteropathica (AEZ). Also called: Acrodermatitis enteropathica. Identifiers: Orphanet 37, MedGen C0221036, MONDO:0008713, OMIM 201100.

Submission:

Natera, Inc.
Classification: Likely pathogenic for Acrodermatitis enteropathica. Last evaluated: 2025-05-29. Review status: criteria provided, single submitter. Criteria: Natera Variant Classification Schema (03/2026). Collection method: clinical testing. Allele origin: germline.
Comment: The c.326dup variant in SLC39A4 is a frameshift variant predicted to shift the reading frame beginning at codon 110 and leads to a stop codon 3 codons downstream. This variant is expected to result in nonsense mediated decay, truncation, or a dysfunctional protein product. This variant is rare in the general population with a frequency below the threshold expected for the associated phenotype(s). Given the available evidence, this variant is classified as Likely Pathogenic.